The following is an entry in ClinVar:

ClinVar aggregate classification (germline): Uncertain significance. Review status: criteria provided, multiple submitters, no conflicts (2 of 4 stars). 2 submissions from 2 submitters: Uncertain significance (2). Last evaluated 2025-06-25.

Conditions:
Inborn genetic diseases. Identifiers: MedGen C0950123, MeSH D030342.

Submissions (2):

Ambry Genetics
Classification: Uncertain significance for Inborn genetic diseases. Last evaluated: 2025-06-25. Review status: criteria provided, single submitter. Criteria: Ambry Variant Classification Scheme 2023. Collection method: clinical testing. Allele origin: germline.

GeneDx
Classification: Uncertain significance. Last evaluated: 2025-04-28. Review status: criteria provided, single submitter. Criteria: GeneDx Variant Classification Process June 2021. Collection method: clinical testing. Allele origin: germline. Affected: yes.
Comment: In silico analysis supports that this missense variant has a deleterious effect on protein structure/function; Has not been previously published as pathogenic or benign to our knowledge

NM_004667.6(HERC2):c.10006G>A (p.Glu3336Lys)

Gene: HERC2 (HECT and RLD domain containing E3 ubiquitin protein ligase 2; minus strand). Cytogenetic location: 15q13.1.
Variant type: single nucleotide variant.
Coding change: c.10006G>A on transcript NM_004667.6 (MANE Select); coding-DNA position 10006, G replaced by A.
Protein change: p.Glu3336Lys; replaces glutamic acid 3336 with lysine.
Molecular consequence: missense variant.
Genome position (GRCh38, 1-based): chr15:28,174,446, C>T on the plus strand (G>A on the coding strand, the complement: HERC2 is on the minus strand). VCF-style: chr15-28174446-C-T. GRCh37 (hg19) VCF-style: chr15-28419592-C-T.
Other names: c.10006G>A (NM_004667.4); short protein forms E3336K.
Identifiers: ClinVar variation 3600624 (VCV003600624.3).